The following is an entry in ClinVar:

NM_000352.6(ABCC8):c.1723G>T (p.Val575Leu)

Gene: ABCC8 (ATP binding cassette subfamily C member 8; minus strand). Cytogenetic location: 11p15.1.
Variant type: single nucleotide variant.
Coding change: c.1723G>T on transcript NM_000352.6 (MANE Select); coding-DNA position 1723, G replaced by T.
Protein change: p.Val575Leu; replaces valine 575 with leucine.
Molecular consequence: missense variant. On other transcripts: non-coding transcript variant (1).
Genome position (GRCh38, 1-based): chr11:17,430,908, C>A on the plus strand (G>T on the coding strand, the complement: ABCC8 is on the minus strand). VCF-style: chr11-17430908-C-A. GRCh37 (hg19) VCF-style: chr11-17452455-C-A.
Other names: c.1723G>T, p.Val575Leu (NM_001287174.3, NM_001351295.2); c.1720G>T, p.Val574Leu (NM_001351296.2, NM_001351297.2); short protein forms V574L, V575L.
Identifiers: ClinVar variation 4056001 (VCV004056001.1).

ClinVar aggregate classification (germline): Uncertain significance (1 of 4 stars; one submission).

Submission:

GeneDx
Classification: Uncertain significance. Last evaluated: 2025-01-04. Review status: criteria provided, single submitter. Criteria: GeneDx Variant Classification Process June 2021. Collection method: clinical testing. Allele origin: germline. Affected: yes.
Comment: Not observed at significant frequency in large population cohorts (gnomAD); In silico analysis indicates that this missense variant does not alter protein structure/function; Has not been previously published as pathogenic or benign to our knowledge